The following is an entry in ClinVar:

NM_000321.3(RB1):c.1023A>T (p.Lys341Asn)

Gene: RB1 (RB transcriptional corepressor 1; plus strand). Cytogenetic location: 13q14.2.
Variant type: single nucleotide variant.
Coding change: c.1023A>T on transcript NM_000321.3 (MANE Select); coding-DNA position 1023, A replaced by T.
Protein change: p.Lys341Asn; replaces lysine 341 with asparagine.
Molecular consequence: missense variant.
Genome position (GRCh38, 1-based): chr13:48,367,577, A>T. VCF-style: chr13-48367577-A-T. GRCh37 (hg19) VCF-style: chr13-48941713-A-T.
Other names: short protein forms K341N.
Identifiers: ClinVar variation 1488067 (VCV001488067.6), dbSNP rs2138121417, ClinGen allele CA388160862.

ClinVar aggregate classification (germline): Uncertain significance (1 of 4 stars; one submission).

Conditions:
Retinoblastoma (RB1). Also called: RETINOBLASTOMA, SOMATIC. Identifiers: Orphanet 790, MedGen C0035335, MeSH D012175, MONDO:0008380, OMIM 180200, HP:0009919. Disease mechanism: loss of function. Inheritance: Both sporadic and heritable forms are tested..

Submission:

Labcorp Genetics (formerly Invitae), Labcorp
Classification: Uncertain significance for Retinoblastoma. Last evaluated: 2021-11-10. Review status: criteria provided, single submitter. Criteria: Invitae Variant Classification Sherloc (09022015). Collection method: clinical testing. Allele origin: germline.
Comment: This sequence change replaces lysine, which is basic and polar, with asparagine, which is neutral and polar, at codon 341 of the RB1 protein (p.Lys341Asn). This variant is not present in population databases (gnomAD no frequency). This variant has not been reported in the literature in individuals affected with RB1-related conditions. Algorithms developed to predict the effect of missense changes on protein structure and function are either unavailable or do not agree on the potential impact of this missense change (SIFT: "Deleterious"; PolyPhen-2: "Benign"; Align-GVGD: "Class C0"). In summary, the available evidence is currently insufficient to determine the role of this variant in disease. Therefore, it has been classified as a Variant of Uncertain Significance.